The following is an entry in ClinVar:

ClinVar aggregate classification (germline): Conflicting classifications of pathogenicity. Review status: criteria provided, conflicting classifications (1 of 4 stars). 2 submissions from 2 submitters: Uncertain significance (1); Likely benign (1). Last evaluated 2025-07-07.

Conditions:
Inborn genetic diseases. Identifiers: MedGen C0950123, MeSH D030342.

Allele frequency attached by ClinVar (database versions not stated): TOPMed 0.00002; gnomAD 0.00003.
gnomAD v4.1: 17 of 1,614,118 alleles (0.0011%); highest among the groups gnomAD compares: South Asian, 0.0022%; no homozygotes.

Submissions (2):

Labcorp Genetics (formerly Invitae), Labcorp
Classification: Uncertain significance. Last evaluated: 2025-07-07. Review status: criteria provided, single submitter. Criteria: Invitae Variant Classification Sherloc (09022015). Collection method: clinical testing. Allele origin: germline.
Comment: This sequence change replaces leucine, which is neutral and non-polar, with proline, which is neutral and non-polar, at codon 2320 of the NBAS protein (p.Leu2320Pro). This variant is present in population databases (no rsID available, gnomAD 0.003%). This variant has not been reported in the literature in individuals affected with NBAS-related conditions. ClinVar contains an entry for this variant (Variation ID: 1922694). Invitae Evidence Modeling of protein sequence and biophysical properties (such as structural, functional, and spatial information, amino acid conservation, physicochemical variation, residue mobility, and thermodynamic stability) indicates that this missense variant is not expected to disrupt NBAS protein function with a negative predictive value of 95%. In summary, the available evidence is currently insufficient to determine the role of this variant in disease. Therefore, it has been classified as a Variant of Uncertain Significance.

Ambry Genetics
Classification: Likely benign for Inborn genetic diseases. Last evaluated: 2024-12-24. Review status: criteria provided, single submitter. Criteria: Ambry Variant Classification Scheme 2023. Collection method: clinical testing. Allele origin: germline.

NM_015909.4(NBAS):c.6959T>C (p.Leu2320Pro)

Gene: NBAS (NBAS subunit of NRZ tethering complex; minus strand). Cytogenetic location: 2p24.3.
Variant type: single nucleotide variant.
Coding change: c.6959T>C on transcript NM_015909.4 (MANE Select); coding-DNA position 6959, T replaced by C.
Protein change: p.Leu2320Pro; replaces leucine 2320 with proline.
Molecular consequence: missense variant. On other transcripts: non-coding transcript variant (1).
Genome position (GRCh38, 1-based): chr2:15,167,205, A>G on the plus strand (T>C on the coding strand, the complement: NBAS is on the minus strand). VCF-style: chr2-15167205-A-G. GRCh37 (hg19) VCF-style: chr2-15307329-A-G.
Other names: c.6959T>C (NM_015909.2); short protein forms L2320P.
Identifiers: ClinVar variation 1922694 (VCV001922694.6), dbSNP rs1444390106, ClinGen allele CA345911319.